The following is an entry in ClinVar:

NM_003002.4(SDHD):c.244G>C (p.Ala82Pro)

Gene: SDHD (succinate dehydrogenase complex subunit D; plus strand). Cytogenetic location: 11q23.1.
Variant type: single nucleotide variant.
Coding change: c.244G>C on transcript NM_003002.4 (MANE Select); coding-DNA position 244, G replaced by C.
Protein change: p.Ala82Pro; replaces alanine 82 with proline.
Molecular consequence: missense variant. On other transcripts: non-coding transcript variant (1), intron variant (1).
Genome position (GRCh38, 1-based): chr11:112,088,941, G>C. VCF-style: chr11-112088941-G-C. GRCh37 (hg19) VCF-style: chr11-111959665-G-C.
Other names: c.127G>C, p.Ala43Pro (NM_001276504.2); c.244G>C, p.Ala82Pro (NM_001276506.2); c.169+968G>C (NM_001276503.2); c.244G>C (NM_003002.2); short protein forms A82P, A43P.
Identifiers: ClinVar variation 465229 (VCV000465229.23), dbSNP rs745559875, ClinGen allele CA070914.

ClinVar aggregate classification (germline): Uncertain significance. Review status: criteria provided, multiple submitters, no conflicts (2 of 4 stars). 6 submissions from 6 submitters: Uncertain significance (6). Last evaluated 2026-06-18.

Conditions:
Hereditary pheochromocytoma and paraganglioma. Also called: Hereditary pheochromocytoma-paraganglioma; Hereditary paragangliomas and pheochromocytomas; Hereditary Paraganglioma-Pheochromocytoma Syndromes. Identifiers: Orphanet 29072, MedGen C4274332, MONDO:0017366.
Paragangliomas with sensorineural hearing loss. Identifiers: MedGen C1868633.
Cowden syndrome 3 (CWS3). Identifiers: Orphanet 201, MedGen CN166604, MONDO:0014045.
Carney-Stratakis syndrome. Also called: PARAGANGLIOMA AND GASTROINTESTINAL STROMAL TUMOR. Identifiers: Orphanet 97286, MedGen C1847319, MONDO:0011740, OMIM 606864.
Pheochromocytoma. Also called: MAX-Related Hereditary Paraganglioma-Pheochromocytoma Syndrome. Identifiers: Orphanet 29072, MedGen C0031511, MONDO:0008233, OMIM 171300, HP:0002666.
Hereditary cancer-predisposing syndrome. Also called: Neoplastic Syndromes, Hereditary; Hereditary neoplastic syndrome; Hereditary Cancer Syndrome; Tumor predisposition. Identifiers: Orphanet 140162, MedGen C0027672, MeSH D009386, MONDO:0015356.

Allele frequency attached by ClinVar (database versions not stated): TOPMed below 0.00001.
gnomAD v4.1: 2 of 1,613,720 alleles (0.00012%); highest among the groups gnomAD compares: Non-Finnish European, 0.00017%; no homozygotes.

Submissions (6):

Ambry Genetics
Classification: Uncertain significance for Hereditary cancer-predisposing syndrome. Last evaluated: 2026-06-18. Review status: criteria provided, single submitter. Criteria: Ambry Variant Classification Scheme 2023. Collection method: clinical testing. Allele origin: germline.
Comment: The p.A82P variant (also known as c.244G>C), located in coding exon 3 of the SDHD gene, results from a G to C substitution at nucleotide position 244. The alanine at codon 82 is replaced by proline, an amino acid with highly similar properties. This amino acid position is well conserved in available vertebrate species. In addition, this alteration is predicted to be deleterious by in silico analysis. Based on the available evidence, the clinical significance of this variant remains unclear.

Labcorp Genetics (formerly Invitae), Labcorp
Classification: Uncertain significance for Carney-Stratakis syndrome; Paragangliomas with sensorineural hearing loss; Pheochromocytoma; Cowden syndrome 3. Last evaluated: 2025-11-12. Review status: criteria provided, single submitter. Criteria: Invitae Variant Classification Sherloc (09022015). Collection method: clinical testing. Allele origin: germline.
Comment: This sequence change replaces alanine, which is neutral and non-polar, with proline, which is neutral and non-polar, at codon 82 of the SDHD protein (p.Ala82Pro). This variant is not present in population databases (gnomAD no frequency). This variant has not been reported in the literature in individuals affected with SDHD-related conditions. ClinVar contains an entry for this variant (Variation ID: 465229). Invitae Evidence Modeling of protein sequence and biophysical properties (such as structural, functional, and spatial information, amino acid conservation, physicochemical variation, residue mobility, and thermodynamic stability) indicates that this missense variant is expected to disrupt SDHD protein function with a positive predictive value of 95%. In summary, the available evidence is currently insufficient to determine the role of this variant in disease. Therefore, it has been classified as a Variant of Uncertain Significance.

Color Diagnostics, LLC DBA Color Health
Classification: Uncertain significance for Hereditary pheochromocytoma and paraganglioma. Last evaluated: 2024-03-06. Review status: criteria provided, single submitter. Criteria: ACMG Guidelines, 2015. Collection method: clinical testing. Allele origin: germline.
Comment: This missense variant replaces alanine with proline at codon 82 of the SDHD protein. Computational prediction suggests that this variant may have deleterious impact on protein structure and function. To our knowledge, functional studies have not been reported for this variant. This variant has not been reported in individuals affected with SDHD-related disorders in the literature. This variant has been identified in 1/251428 chromosomes in the general population by the Genome Aggregation Database (gnomAD). The available evidence is insufficient to determine the role of this variant in disease conclusively. Therefore, this variant is classified as a Variant of Uncertain Significance.

GeneDx
Classification: Uncertain significance. Last evaluated: 2023-11-06. Review status: criteria provided, single submitter. Criteria: GeneDx Variant Classification Process June 2021. Collection method: clinical testing. Allele origin: germline. Affected: yes.
Comment: In silico analysis supports that this missense variant has a deleterious effect on protein structure/function; Has not been previously published as pathogenic or benign to our knowledge; Not observed at significant frequency in large population cohorts (gnomAD)

All of Us Research Program, National Institutes of Health
Classification: Uncertain significance for Hereditary pheochromocytoma and paraganglioma. Last evaluated: 2023-08-15. Review status: criteria provided, single submitter. Criteria: ACMG Guidelines, 2015. Collection method: clinical testing. Allele origin: germline. Inheritance: Autosomal dominant inheritance. Observed: 7 variant alleles, 7 heterozygotes.
Comment: This missense variant replaces alanine with proline at codon 82 of the SDHD protein. Computational prediction suggests that this variant may have deleterious impact on protein structure and function (internally defined REVEL score threshold >= 0.7, PMID: 27666373). To our knowledge, functional studies have not been reported for this variant. This variant has not been reported in individuals affected with SDHD-related disorders in the literature. This variant has been identified in 1/251428 chromosomes in the general population by the Genome Aggregation Database (gnomAD). The available evidence is insufficient to determine the role of this variant in disease conclusively. Therefore, this variant is classified as a Variant of Uncertain Significance.

This study involves interpretation of variants in research participants for the purpose of population health screening. Participant phenotype was not available at the time of variant classification. Additional details can be found in publication PMID: 35346344, PMCID: PMC8962531

St. Jude Molecular Pathology, St. Jude Children's Research Hospital
Classification: Uncertain significance for Hereditary pheochromocytoma and paraganglioma. Last evaluated: 2021-03-31. Review status: criteria provided, single submitter. Criteria: St. Jude Assertion Criteria 2020. Collection method: clinical testing. Allele origin: germline.
Comment: The SDHD c.244G>C (p.Ala82Pro) missense change has a maximum subpopulation frequency of 0.00088% in gnomAD v2.1.1 (PM2_Supporting). Seven of seven in silico tools predict a deleterious effect of this variant on protein function (PP3), but to our knowledge these predictions have not been confirmed by functional assays. To our knowledge, this variant has not been reported in individuals with hereditary paraganglioma-pheochromocytoma. In summary, this variant meets criteria to be classified as of uncertain significance based on the ACMG/AMP criteria: PM2_Supporting, PP3.